The following is an entry in ClinVar:

ClinVar aggregate classification (germline): Conflicting classifications of pathogenicity. Review status: criteria provided, conflicting classifications (1 of 4 stars). 6 submissions from 6 submitters: Uncertain significance (5); Likely benign (1). Last evaluated 2025-12-18.

Conditions:
B3GALT6-related disorder. Also called: B3GALT6-related condition.
Ehlers-Danlos syndrome, spondylodysplastic type, 2 (EDSSPD2). Also called: Ehlers-Danlos syndrome, progeroid type, 2. Identifiers: Orphanet 536467, Orphanet 75496, MedGen C3809210, MONDO:0014139, OMIM 615349.
Spondyloepimetaphyseal dysplasia with joint laxity (SEMDJL). Identifiers: MedGen C0432243, MONDO:0019675.

Allele frequency attached by ClinVar (database versions not stated): gnomAD 0.00008; TOPMed 0.00015.
gnomAD v4.1: 75 of 982,858 alleles (0.0076%); highest among the groups gnomAD compares: Non-Finnish European, 0.0019%; 1 homozygote.

Submissions (6):

PreventionGenetics, part of Exact Sciences
Classification: Likely benign for B3GALT6-related condition. Last evaluated: 2025-12-18. Review status: criteria provided, single submitter. Criteria: ACMG Guidelines, 2015. Collection method: clinical testing. Allele origin: germline.
Comment: This variant is classified as likely benign based on ACMG/AMP sequence variant interpretation guidelines (Richards et al. 2015 PMID: 25741868, with internal and published modifications).

GeneDx
Classification: Uncertain significance. Last evaluated: 2025-10-21. Review status: criteria provided, single submitter. Criteria: GeneDx Variant Classification Process June 2021. Collection method: clinical testing. Allele origin: germline. Affected: yes.
Comment: Not observed at significant frequency in large population cohorts (gnomAD); In silico analysis suggests that this missense variant does not alter protein structure/function; Has not been previously published as pathogenic or benign to our knowledge

Women's Health and Genetics/Laboratory Corporation of America, LabCorp
Classification: Uncertain significance. Last evaluated: 2025-06-02. Review status: criteria provided, single submitter. Criteria: LabCorp Variant Classification Summary - May 2015. Collection method: clinical testing. Allele origin: germline.
Comment: Variant summary: B3GALT6 c.35C>G (p.Ala12Gly) results in a non-conservative amino acid change in the encoded protein sequence. Algorithms developed to predict the effect of missense changes on protein structure and function are either unavailable or do not agree on the potential impact of this missense change. The frequency data for this variant in gnomAD is considered unreliable, as metrics indicate poor data quality at this position. To our knowledge, no occurrence of c.35C>G in individuals affected with Spondyloepimetaphyseal dysplasia with joint laxity, type 1, with or without fractures and no experimental evidence demonstrating its impact on protein function have been reported. ClinVar contains an entry for this variant (Variation ID: 450501). Based on the evidence outlined above, the variant was classified as uncertain significance.

Mayo Clinic Laboratories, Mayo Clinic
Classification: Uncertain significance. Last evaluated: 2023-02-22. Review status: criteria provided, single submitter. Criteria: ACMG Guidelines, 2015. Collection method: clinical testing. Allele origin: germline. Observed: 1 variant allele.
Comment: BP4

Labcorp Genetics (formerly Invitae), Labcorp
Classification: Uncertain significance for Ehlers-Danlos syndrome, spondylodysplastic type, 2; Spondyloepimetaphyseal dysplasia with joint laxity. Last evaluated: 2022-07-25. Review status: criteria provided, single submitter. Criteria: Invitae Variant Classification Sherloc (09022015). Collection method: clinical testing. Allele origin: germline.
Comment: This sequence change replaces alanine, which is neutral and non-polar, with glycine, which is neutral and non-polar, at codon 12 of the B3GALT6 protein (p.Ala12Gly). This variant is present in population databases (no rsID available, gnomAD 0.4%). This variant has not been reported in the literature in individuals affected with B3GALT6-related conditions. ClinVar contains an entry for this variant (Variation ID: 450501). Algorithms developed to predict the effect of missense changes on protein structure and function (SIFT, PolyPhen-2, Align-GVGD) all suggest that this variant is likely to be tolerated. In summary, the available evidence is currently insufficient to determine the role of this variant in disease. Therefore, it has been classified as a Variant of Uncertain Significance.

CeGaT Center for Human Genetics Tuebingen
Classification: Uncertain significance. Last evaluated: 2021-07-01. Review status: criteria provided, single submitter. Criteria: CeGaT Center For Human Genetics Tuebingen Variant Classification Criteria Version 2. Collection method: clinical testing. Allele origin: germline. Affected: yes. Observed: 1 variant allele.

NM_080605.4(B3GALT6):c.35C>G (p.Ala12Gly)

Gene: B3GALT6 (beta-1,3-galactosyltransferase 6; plus strand). Cytogenetic location: 1p36.33.
Variant type: single nucleotide variant.
Coding change: c.35C>G on transcript NM_080605.4 (MANE Select); coding-DNA position 35, C replaced by G.
Protein change: p.Ala12Gly; replaces alanine 12 with glycine.
Molecular consequence: missense variant.
Genome position (GRCh38, 1-based): chr1:1,232,313, C>G. VCF-style: chr1-1232313-C-G. GRCh37 (hg19) VCF-style: chr1-1167693-C-G.
Other names: p.Ala12Gly; short protein forms A12G.
Identifiers: ClinVar variation 450501 (VCV000450501.47), dbSNP rs900539403, ClinGen allele CA16755076.